The following is an entry in ClinVar:

ClinVar aggregate classification (germline): Uncertain significance (1 of 4 stars; one submission).

gnomAD v4.1: 1 of 1,614,192 alleles (0.000062%); highest among the groups gnomAD compares: Non-Finnish European, 0.000085%; no homozygotes.

Submission:

GeneDx
Classification: Uncertain significance. Last evaluated: 2023-05-31. Review status: criteria provided, single submitter. Criteria: GeneDx Variant Classification Process June 2021. Collection method: clinical testing. Allele origin: germline. Affected: yes.
Comment: Has not been previously published as pathogenic or benign to our knowledge; Not observed at significant frequency in large population cohorts (gnomAD); In silico analysis supports that this missense variant has a deleterious effect on protein structure/function

NM_001105206.3(LAMA4):c.3170A>C (p.Tyr1057Ser)

Gene: LAMA4 (laminin subunit alpha 4; minus strand). Cytogenetic location: 6q21.
Variant type: single nucleotide variant.
Coding change: c.3170A>C on transcript NM_001105206.3 (MANE Select); coding-DNA position 3170, A replaced by C.
Protein change: p.Tyr1057Ser; replaces tyrosine 1057 with serine.
Molecular consequence: missense variant.
Genome position (GRCh38, 1-based): chr6:112,139,232, T>G on the plus strand (A>C on the coding strand, the complement: LAMA4 is on the minus strand). VCF-style: chr6-112139232-T-G. GRCh37 (hg19) VCF-style: chr6-112460434-T-G.
Other names: c.3149A>C, p.Tyr1050Ser (NM_001105207.3, NM_002290.5); short protein forms Y1050S, Y1057S.
Identifiers: ClinVar variation 3343589 (VCV003343589.1).